The following is an entry in ClinVar:

ClinVar aggregate classification (germline): Conflicting classifications of pathogenicity. Review status: criteria provided, conflicting classifications (1 of 4 stars). 2 submissions from 2 submitters: Uncertain significance (1); Likely benign (1). Last evaluated 2024-11-11.

Conditions:
Cardiovascular phenotype. Identifiers: MedGen CN230736.

Allele frequency attached by ClinVar (database versions not stated): gnomAD exomes 0.00001 and 0.00004; ExAC 0.00002; gnomAD 0.00005.

Submissions (2):

Labcorp Genetics (formerly Invitae), Labcorp
Classification: Uncertain significance. Last evaluated: 2024-11-11. Review status: criteria provided, single submitter. Criteria: Invitae Variant Classification Sherloc (09022015). Collection method: clinical testing. Allele origin: germline.
Comment: This sequence change replaces valine, which is neutral and non-polar, with isoleucine, which is neutral and non-polar, at codon 304 of the LMF1 protein (p.Val304Ile). This variant is present in population databases (rs763719430, gnomAD 0.005%). This variant has not been reported in the literature in individuals affected with LMF1-related conditions. ClinVar contains an entry for this variant (Variation ID: 1403386). An algorithm developed to predict the effect of missense changes on protein structure and function outputs the following: PolyPhen-2: "Benign". The isoleucine amino acid residue is found in multiple mammalian species, which suggests that this missense change does not adversely affect protein function. In summary, the available evidence is currently insufficient to determine the role of this variant in disease. Therefore, it has been classified as a Variant of Uncertain Significance.

Ambry Genetics
Classification: Likely benign for Cardiovascular phenotype. Last evaluated: 2022-09-05. Review status: criteria provided, single submitter. Criteria: Ambry Variant Classification Scheme 2023. Collection method: clinical testing. Allele origin: germline.

NM_022773.4(LMF1):c.910G>A (p.Val304Ile)

Gene: LMF1 (lipase maturation factor 1; minus strand). Cytogenetic location: 16p13.3.
Variant type: single nucleotide variant.
Coding change: c.910G>A on transcript NM_022773.4 (MANE Select); coding-DNA position 910, G replaced by A.
Protein change: p.Val304Ile; replaces valine 304 with isoleucine.
Molecular consequence: missense variant. On other transcripts: non-coding transcript variant (1).
Genome position (GRCh38, 1-based): chr16:871,329, C>T on the plus strand (G>A on the coding strand, the complement: LMF1 is on the minus strand). VCF-style: chr16-871329-C-T. GRCh37 (hg19) VCF-style: chr16-921329-C-T.
Other names: c.259G>A, p.Val87Ile (NM_001352017.2, NM_001352021.2); c.511G>A, p.Val171Ile (NM_001352018.2); c.583G>A, p.Val195Ile (NM_001352019.2); c.910G>A, p.Val304Ile (NM_001352020.1); short protein forms V171I, V304I, V195I, V87I.
Identifiers: ClinVar variation 1403386 (VCV001403386.10), dbSNP rs763719430, ClinGen allele CA7797274.